The following is an entry in ClinVar:

ClinVar aggregate classification (germline): Uncertain significance (1 of 4 stars; one submission).

Allele frequency attached by ClinVar (database versions not stated): gnomAD 0.00019; ESP Exome Variant Server 0.00023; TOPMed 0.00028; 1000 Genomes Project 30x 0.00031; 1000 Genomes Project 0.00040.
gnomAD v4.1: 65 of 1,613,310 alleles (0.004%); highest among the groups gnomAD compares: African/African-American, 0.064%; no homozygotes.

Submission:

Labcorp Genetics (formerly Invitae), Labcorp
Classification: Uncertain significance. Last evaluated: 2022-07-01. Review status: criteria provided, single submitter. Criteria: Invitae Variant Classification Sherloc (09022015). Collection method: clinical testing. Allele origin: germline.
Comment: This sequence change replaces glycine, which is neutral and non-polar, with valine, which is neutral and non-polar, at codon 5 of the ATR protein (p.Gly5Val). This variant is present in population databases (rs200753177, gnomAD 0.06%). This variant has not been reported in the literature in individuals affected with ATR-related conditions. ClinVar contains an entry for this variant (Variation ID: 953617). Algorithms developed to predict the effect of missense changes on protein structure and function are either unavailable or do not agree on the potential impact of this missense change (SIFT: "Deleterious"; PolyPhen-2: "Possibly Damaging"; Align-GVGD: "Class C0"). In summary, the available evidence is currently insufficient to determine the role of this variant in disease. Therefore, it has been classified as a Variant of Uncertain Significance.

NM_001184.4(ATR):c.14G>T (p.Gly5Val)

Gene: ATR (ATR serine/threonine kinase; minus strand). Cytogenetic location: 3q23.
Variant type: single nucleotide variant.
Coding change: c.14G>T on transcript NM_001184.4 (MANE Select); coding-DNA position 14, G replaced by T.
Protein change: p.Gly5Val; replaces glycine 5 with valine.
Molecular consequence: missense variant.
Genome position (GRCh38, 1-based): chr3:142,578,691, C>A on the plus strand (G>T on the coding strand, the complement: ATR is on the minus strand). VCF-style: chr3-142578691-C-A. GRCh37 (hg19) VCF-style: chr3-142297533-C-A.
Other names: c.14G>T, p.Gly5Val (NM_001354579.2); short protein forms G5V.
Identifiers: ClinVar variation 953617 (VCV000953617.7), dbSNP rs200753177, ClinGen allele CA2650876.